The following is an entry in ClinVar:

ClinVar aggregate classification (germline): Uncertain significance (1 of 4 stars; one submission).

Conditions:
Malignant hyperthermia, susceptibility to, 1 (MHS1). Also called: Anesthesia related hyperthermia; Malignant hyperpyrexia; Fulminating hyperpyrexia; Pharmacogenic myopathy; Malignant hyperthermia suceptibility 1; RYR1-Related Malignant Hyperthermia Susceptibility. Identifiers: Orphanet 423, MedGen C2930980, MONDO:0007783, OMIM 145600.

Submission:

All of Us Research Program, National Institutes of Health
Classification: Uncertain significance for Malignant hyperthermia, susceptibility to, 1. Last evaluated: 2024-04-16. Review status: criteria provided, single submitter. Criteria: ACMG Guidelines, 2015. Collection method: clinical testing. Allele origin: germline. Inheritance: Autosomal dominant inheritance. Observed: 1 variant allele, 1 heterozygote.
Comment: This missense variant replaces threonine with arginine at codon 5005 of the RYR1 protein. Computational prediction suggests that this variant may have deleterious impact on protein structure and function (internally defined REVEL score threshold >= 0.7, PMID: 27666373). To our knowledge, functional studies have not been reported for this variant. This variant has not been reported in individuals affected with RYR1-related disorders in the literature. This variant has not been identified in the general population by the Genome Aggregation Database (gnomAD). The available evidence is insufficient to determine the role of this variant in disease conclusively. Therefore, this variant is classified as a Variant of Uncertain Significance.

This study involves interpretation of variants in research participants for the purpose of population health screening. Participant phenotype was not available at the time of variant classification. Additional details can be found in publication PMID: 35346344, PMCID: PMC8962531

NM_000540.3(RYR1):c.15014C>G (p.Thr5005Arg)

Gene: RYR1 (ryanodine receptor 1; plus strand). Cytogenetic location: 19q13.2.
Variant type: single nucleotide variant.
Coding change: c.15014C>G on transcript NM_000540.3 (MANE Select); coding-DNA position 15014, C replaced by G.
Protein change: p.Thr5005Arg; replaces threonine 5005 with arginine.
Molecular consequence: missense variant.
Genome position (GRCh38, 1-based): chr19:38,586,569, C>G. VCF-style: chr19-38586569-C-G. GRCh37 (hg19) VCF-style: chr19-39077209-C-G.
Other names: c.14999C>G, p.Thr5000Arg (NM_001042723.2); short protein forms T5000R, T5005R.
Identifiers: ClinVar variation 3385641 (VCV003385641.1).